The following is an entry in ClinVar:

ClinVar aggregate classification (germline): Pathogenic/Likely pathogenic. Review status: criteria provided, multiple submitters, no conflicts (2 of 4 stars). 2 submissions from 2 submitters: Pathogenic (1); Likely pathogenic (1). Last evaluated 2024-11-20.

Conditions:
Asphyxiating thoracic dystrophy 3. Also called: SHORT-RIB THORACIC DYSPLASIA 3 WITH OR WITHOUT POLYDACTYLY; POLYDACTYLY WITH NEONATAL CHONDRODYSTROPHY, TYPE I; SHORT-RIB THORACIC DYSPLASIA 3/6 WITH POLYDACTYLY, DIGENIC; Short rib polydactyly syndrome 2B; Saldino-Noonan Syndrome. Identifiers: Orphanet 474, Orphanet 93269, Orphanet 93270, Orphanet 93271, MedGen C0036069, MONDO:0013127, OMIM 613091.
DYNC2H1-related disorder. Also called: DYNC2H1-related condition; DYNC2H1-related disorders. Identifiers: MedGen CN378770.

gnomAD v4.1: 5 of 1,551,616 alleles (0.00032%); highest among the groups gnomAD compares: Non-Finnish European, 0.00044%; no homozygotes.

Submissions (2):

Blueprint Genetics
Classification: Likely pathogenic for DYNC2H1-related disorders. Last evaluated: 2024-11-20. Review status: criteria provided, single submitter. Criteria: ACMG Guidelines, 2015. Collection method: clinical testing. Allele origin: germline. Affected: yes. Observed: 5 variant alleles.

Myriad Genetics, Inc.
Classification: Pathogenic for Asphyxiating thoracic dystrophy 3. Last evaluated: 2024-07-31. Review status: criteria provided, single submitter. Criteria: Myriad Autosomal Dominant, Autosomal Recessive and X-Linked Classification Criteria (2023). Collection method: clinical testing. Allele origin: unknown.
Comment: NM_001377.2(DYNC2H1):c.12154C>T(Q4052*) is expected to be pathogenic in the context of DYNC2H1-related disorders. This variant is predicted to lead to an abnormal or absent protein product due to the creation of a premature termination codon in DYNC2H1, a gene where loss-of-function variants are known to be pathogenic. Please note: this variant was assessed in the context of healthy population screening.

NM_001377.3(DYNC2H1):c.12154C>T (p.Gln4052Ter)

Gene: DYNC2H1 (dynein cytoplasmic 2 heavy chain 1; plus strand). Cytogenetic location: 11q22.3.
Variant type: single nucleotide variant.
Coding change: c.12154C>T on transcript NM_001377.3 (MANE Select); coding-DNA position 12154, C replaced by T.
Protein change: p.Gln4052Ter; replaces glutamine 4052 with a stop codon.
Molecular consequence: nonsense.
Genome position (GRCh38, 1-based): chr11:103,358,357, C>T. VCF-style: chr11-103358357-C-T. GRCh37 (hg19) VCF-style: chr11-103229085-C-T.
Other names: c.12175C>T, p.Gln4059Ter (NM_001080463.2); short protein forms Q4052*, Q4059*.
Identifiers: ClinVar variation 4913839 (VCV004913839.2).